The following is an entry in ClinVar:

ClinVar aggregate classification (germline): Uncertain significance. Review status: criteria provided, multiple submitters, no conflicts (2 of 4 stars). 5 submissions from 5 submitters: Uncertain significance (5). Last evaluated 2025-12-19.

Conditions:
Early onset severe obesity. Identifiers: MedGen C4013980.
Obesity, hyperphagia, and developmental delay (OBHD). Identifiers: Orphanet 99704, MedGen C3151303, MONDO:0013483, OMIM 613886.

Allele frequency attached by ClinVar (database versions not stated): gnomAD 0.00001; gnomAD exomes 0.00001.
gnomAD v4.1: 9 of 1,614,008 alleles (0.00056%); highest among the groups gnomAD compares: Admixed American, 0.0033%; no homozygotes.

Submissions (5):

Labcorp Genetics (formerly Invitae), Labcorp
Classification: Uncertain significance. Last evaluated: 2025-12-19. Review status: criteria provided, single submitter. Criteria: Invitae Variant Classification Sherloc (09022015). Collection method: clinical testing. Allele origin: germline.
Comment: This sequence change replaces proline, which is neutral and non-polar, with leucine, which is neutral and non-polar, at codon 149 of the NTRK2 protein (p.Pro149Leu). This variant is not present in population databases (gnomAD no frequency). This variant has not been reported in the literature in individuals affected with NTRK2-related conditions. ClinVar contains an entry for this variant (Variation ID: 1440301). Invitae Evidence Modeling of protein sequence and biophysical properties (such as structural, functional, and spatial information, amino acid conservation, physicochemical variation, residue mobility, and thermodynamic stability) indicates that this missense variant is not expected to disrupt NTRK2 protein function with a negative predictive value of 80%. In summary, the available evidence is currently insufficient to determine the role of this variant in disease. Therefore, it has been classified as a Variant of Uncertain Significance.

Blueprint Genetics
Classification: Uncertain significance. Last evaluated: 2024-11-22. Review status: criteria provided, single submitter. Criteria: ACMG Guidelines, 2015. Collection method: clinical testing. Allele origin: germline.

Cambridge Genomics Laboratory, East Genomic Laboratory Hub, NHS Genomic Medicine Service
Classification: Uncertain significance for Severe early-onset obesity. Last evaluated: 2024-07-11. Review status: criteria provided, single submitter. Criteria: ACGS Best Practice Guidelines for Variant Classification in Rare Disease 2020. Collection method: clinical testing. Allele origin: germline. Affected: yes.
Comment: The p.Pro149Leu variant is novel (not in any individuals) in gnomAD All. The p.Pro149Leu variant is novel (not in any individuals) in 1kG All. (PM2 - Moderate) | The p.Pro149Leu missense variant is predicted to be damaging by both SIFT and PolyPhen2. The proline residue at codon 149 of NTRK2 is conserved in all mammalian species. The nucleotide c.446 in NTRK2 is predicted conserved by GERP++ and PhyloP across 100 vertebrates. (PP3 - Supporting) | The patient's phenotype or family history is highly specific for a disease with a single genetic etiology. (PP4 - Supporting)

CeGaT Center for Human Genetics Tuebingen
Classification: Uncertain significance. Last evaluated: 2023-11-01. Review status: criteria provided, single submitter. Criteria: CeGaT Center For Human Genetics Tuebingen Variant Classification Criteria Version 2. Collection method: clinical testing. Allele origin: germline. Affected: yes. Observed: 1 variant allele.

New York Genome Center
Classification: Uncertain significance for Obesity, hyperphagia, and developmental delay. Last evaluated: 2021-07-29. Review status: criteria provided, single submitter. Criteria: NYGC Assertion Criteria 2020. Collection method: clinical testing. Allele origin: germline. Observed: 1 heterozygote.

NM_006180.6(NTRK2):c.446C>T (p.Pro149Leu)

Gene: NTRK2 (neurotrophic receptor tyrosine kinase 2; plus strand). Cytogenetic location: 9q21.33.
Variant type: single nucleotide variant.
Coding change: c.446C>T on transcript NM_006180.6 (MANE Select); coding-DNA position 446, C replaced by T.
Protein change: p.Pro149Leu; replaces proline 149 with leucine.
Molecular consequence: missense variant. On other transcripts: 5 prime UTR variant (5).
Genome position (GRCh38, 1-based): chr9:84,710,654, C>T. VCF-style: chr9-84710654-C-T. GRCh37 (hg19) VCF-style: chr9-87325569-C-T.
Other names: c.446C>T, p.Pro149Leu (NM_001007097.3, NM_001018064.3, NM_001018065.2 and 18 more transcripts); c.-23C>T (NM_001369535.1, NM_001369536.1, NM_001369550.1 and 2 more transcripts); short protein forms P149L.
Identifiers: ClinVar variation 1440301 (VCV001440301.35), dbSNP rs201757733, ClinGen allele CA195744678.